The following is an entry in ClinVar:

ClinVar aggregate classification (germline): Uncertain significance (1 of 4 stars; one submission).

Allele frequency attached by ClinVar (database versions not stated): gnomAD 0.00001; TOPMed 0.00001; ExAC 0.00002; gnomAD exomes 0.00002.
gnomAD v4.1: 17 of 1,614,058 alleles (0.0011%); highest among the groups gnomAD compares: South Asian, 0.015%; no homozygotes.

Submission:

Labcorp Genetics (formerly Invitae), Labcorp
Classification: Uncertain significance. Last evaluated: 2023-12-11. Review status: criteria provided, single submitter. Criteria: Invitae Variant Classification Sherloc (09022015). Collection method: clinical testing. Allele origin: germline.
Comment: This sequence change replaces threonine, which is neutral and polar, with isoleucine, which is neutral and non-polar, at codon 254 of the TNFSF11 protein (p.Thr254Ile). This variant is present in population databases (rs746686599, gnomAD 0.01%). This variant has not been reported in the literature in individuals affected with TNFSF11-related conditions. ClinVar contains an entry for this variant (Variation ID: 1498170). Advanced modeling of protein sequence and biophysical properties (such as structural, functional, and spatial information, amino acid conservation, physicochemical variation, residue mobility, and thermodynamic stability) performed at Invitae indicates that this missense variant is not expected to disrupt TNFSF11 protein function with a negative predictive value of 80%. In summary, the available evidence is currently insufficient to determine the role of this variant in disease. Therefore, it has been classified as a Variant of Uncertain Significance.

NM_003701.4(TNFSF11):c.761C>T (p.Thr254Ile)

Gene: TNFSF11 (TNF superfamily member 11; plus strand). Cytogenetic location: 13q14.11.
Variant type: single nucleotide variant.
Coding change: c.761C>T on transcript NM_003701.4 (MANE Select); coding-DNA position 761, C replaced by T.
Protein change: p.Thr254Ile; replaces threonine 254 with isoleucine.
Molecular consequence: missense variant.
Genome position (GRCh38, 1-based): chr13:42,606,725, C>T. VCF-style: chr13-42606725-C-T. GRCh37 (hg19) VCF-style: chr13-43180861-C-T.
Other names: c.542C>T, p.Thr181Ile (NM_033012.4); short protein forms T181I, T254I.
Identifiers: ClinVar variation 1498170 (VCV001498170.6), dbSNP rs746686599, ClinGen allele CA6967293.